The following is an entry in ClinVar:

NM_020166.5(MCCC1):c.1658T>A (p.Met553Lys)

Gene: MCCC1 (methylcrotonyl-CoA carboxylase subunit 1; minus strand). Cytogenetic location: 3q27.1.
Variant type: single nucleotide variant.
Coding change: c.1658T>A on transcript NM_020166.5 (MANE Select); coding-DNA position 1658, T replaced by A.
Protein change: p.Met553Lys; replaces methionine 553 with lysine.
Molecular consequence: missense variant. On other transcripts: non-coding transcript variant (2).
Genome position (GRCh38, 1-based): chr3:183,034,014, A>T on the plus strand (T>A on the coding strand, the complement: MCCC1 is on the minus strand). VCF-style: chr3-183034014-A-T. GRCh37 (hg19) VCF-style: chr3-182751802-A-T.
Other names: c.1307T>A, p.Met436Lys (NM_001293273.2); c.1331T>A, p.Met444Lys (NM_001363880.1); c.1658T>A (NM_020166.3); short protein forms M553K, M436K, M444K.
Identifiers: ClinVar variation 542945 (VCV000542945.9), dbSNP rs774055789, ClinGen allele CA2718710.

ClinVar aggregate classification (germline): Uncertain significance. Review status: criteria provided, multiple submitters, no conflicts (2 of 4 stars). 3 submissions from 3 submitters: Uncertain significance (2). 1 of the submissions does not count toward it. Last evaluated 2026-02-25.

Conditions:
3-methylcrotonyl-CoA carboxylase 1 deficiency (MCC1D). Also called: MCCD TYPE 1; METHYLCROTONYLGLYCINURIA TYPE I; MCC 1 deficiency; 3 Alpha methylcrotonylglycinuria 1. Identifiers: Orphanet 6, MedGen CN028786, MONDO:0008861, OMIM 210200.

Allele frequency attached by ClinVar (database versions not stated): TOPMed below 0.00001.
gnomAD v4.1: 5 of 1,609,996 alleles (0.00031%); highest among the groups gnomAD compares: Admixed American, 0.0083%; no homozygotes.

Submissions (3):

GeneDx
Classification: Uncertain significance. Last evaluated: 2026-02-25. Review status: criteria provided, single submitter. Criteria: GeneDx Variant Classification Process June 2021. Collection method: clinical testing. Allele origin: germline.
Comment: Reported in a cohort of individuals with inborn errors of metabolism (PMID: 32778825); Not observed at significant frequency in large population cohorts (gnomAD); In silico analysis supports that this missense variant has a deleterious effect on protein structure/function; This variant is associated with the following publications: (PMID: 32778825)

Labcorp Genetics (formerly Invitae), Labcorp
Classification: Uncertain significance for 3-methylcrotonyl-CoA carboxylase 1 deficiency. Last evaluated: 2024-10-22. Review status: criteria provided, single submitter. Criteria: Invitae Variant Classification Sherloc (09022015). Collection method: clinical testing. Allele origin: germline.
Comment: This sequence change replaces methionine, which is neutral and non-polar, with lysine, which is basic and polar, at codon 553 of the MCCC1 protein (p.Met553Lys). This variant is present in population databases (rs774055789, gnomAD 0.01%). This missense change has been observed in individual(s) with clinical features of MCCC1-related conditions (internal data). In at least one individual the data is consistent with being in trans (on the opposite chromosome) from a pathogenic variant. It has also been observed to segregate with disease in related individuals. ClinVar contains an entry for this variant (Variation ID: 542945). Invitae Evidence Modeling of protein sequence and biophysical properties (such as structural, functional, and spatial information, amino acid conservation, physicochemical variation, residue mobility, and thermodynamic stability) indicates that this missense variant is not expected to disrupt MCCC1 protein function with a negative predictive value of 80%. In summary, the available evidence is currently insufficient to determine the role of this variant in disease. Therefore, it has been classified as a Variant of Uncertain Significance.

Natera, Inc.
Classification: Uncertain significance for 3-methylcrotonyl-CoA carboxylase 1 deficiency. Last evaluated: 2020-01-24. Review status: no assertion criteria provided. Collection method: clinical testing. Allele origin: germline. Not counted in ClinVar's aggregate classification.